The following is an entry in ClinVar:

ClinVar aggregate classification (germline): Benign/Likely benign. Review status: criteria provided, multiple submitters, no conflicts (2 of 4 stars). 6 submissions from 6 submitters: Benign (2); Likely benign (3). 1 of the submissions does not count toward it. Last evaluated 2025-09-02.

Conditions:
Early-infantile DEE. Also called: Ohtahara syndrome; Early infantile epileptic encephalopathy; Early infantile epileptic encephalopathy with suppression bursts. Identifiers: Orphanet 1934, MedGen C0393706, MONDO:0800491.
SPTAN1-related disorder. Also called: SPTAN1-related disorders; SPTAN1-related condition.
Inborn genetic diseases. Identifiers: MedGen C0950123, MeSH D030342.
Developmental and epileptic encephalopathy, 5 (DEE5). Identifiers: Orphanet 3451, MedGen C3150731, MONDO:0013277, OMIM 613477.

Allele frequency attached by ClinVar (database versions not stated): gnomAD exomes 0.00004 and 0.00011; ExAC 0.00005; ESP Exome Variant Server 0.00008; gnomAD 0.00008 and 0.00009; TOPMed 0.00008.
gnomAD v4.1: 171 of 1,612,914 alleles (0.011%); highest among the groups gnomAD compares: Non-Finnish European, 0.013%; no homozygotes.

Submissions (6):

Labcorp Genetics (formerly Invitae), Labcorp
Classification: Likely benign for Early-infantile DEE. Last evaluated: 2025-09-02. Review status: criteria provided, single submitter. Criteria: Invitae Variant Classification Sherloc (09022015). Collection method: clinical testing. Allele origin: germline.

CeGaT Center for Human Genetics Tuebingen
Classification: Benign. Last evaluated: 2023-03-01. Review status: criteria provided, single submitter. Criteria: CeGaT Center For Human Genetics Tuebingen Variant Classification Criteria Version 2. Collection method: clinical testing. Allele origin: germline. Affected: yes. Observed: 2 variant alleles.
Comment: SPTAN1: PP2, BS1, BS2

Genome-Nilou Lab
Classification: Likely benign for Developmental and epileptic encephalopathy, 5. Last evaluated: 2021-07-15. Review status: criteria provided, single submitter. Criteria: ACMG Guidelines, 2015. Collection method: clinical testing. Allele origin: germline. Affected: no.

Ambry Genetics
Classification: Benign for Inborn genetic diseases. Last evaluated: 2019-12-03. Review status: criteria provided, single submitter. Criteria: Ambry Variant Classification Scheme 2023. Collection method: clinical testing. Allele origin: germline.

Eurofins Ntd Llc (ga)
Classification: Likely benign. Last evaluated: 2017-06-19. Review status: criteria provided, single submitter. Criteria: EGL Classification Definitions 2015. Collection method: clinical testing. Allele origin: germline. Observed: 2 variant alleles, 2 heterozygotes.

PreventionGenetics, part of Exact Sciences
Classification: Likely benign for SPTAN1-related condition. Last evaluated: 2021-08-10. Review status: no assertion criteria provided. Collection method: clinical testing. Allele origin: germline. Not counted in ClinVar's aggregate classification.
Comment: This variant is classified as likely benign based on ACMG/AMP sequence variant interpretation guidelines (Richards et al. 2015 PMID: 25741868, with internal and published modifications).

NM_001130438.3(SPTAN1):c.6763C>T (p.Arg2255Cys)

Gene: SPTAN1 (spectrin alpha, non-erythrocytic 1; plus strand). Cytogenetic location: 9q34.11.
Variant type: single nucleotide variant.
Coding change: c.6763C>T on transcript NM_001130438.3 (MANE Select); coding-DNA position 6763, C replaced by T.
Protein change: p.Arg2255Cys; replaces arginine 2255 with cysteine.
Molecular consequence: missense variant.
Genome position (GRCh38, 1-based): chr9:128,632,127, C>T. VCF-style: chr9-128632127-C-T. GRCh37 (hg19) VCF-style: chr9-131394406-C-T.
Other names: c.6688C>T, p.Arg2230Cys (NM_001195532.2); c.6826C>T, p.Arg2276Cys (NM_001363759.2); c.6703C>T, p.Arg2235Cys (NM_001363765.2); c.6748C>T, p.Arg2250Cys (NM_003127.4); short protein forms R2255C, R2230C, R2276C, R2235C, R2250C.
Identifiers: ClinVar variation 238540 (VCV000238540.55), dbSNP rs372779649, ClinGen allele CA5265915.